The following is an entry in ClinVar:

ClinVar aggregate classification (germline): Conflicting classifications of pathogenicity. Review status: criteria provided, conflicting classifications (1 of 4 stars). 3 submissions from 3 submitters: Uncertain significance (2); Benign (1). Last evaluated 2026-01-06.

Conditions:
Primary familial hypertrophic cardiomyopathy (HCM). Identifiers: Orphanet 99739, MedGen C0949658, MeSH D024741, MONDO:0024573. Inheritance: Various modes of inheritance.
Dilated cardiomyopathy 1AA (CMD1AA). Also called: CARDIOMYOPATHY, DILATED, 1AA, WITH OR WITHOUT LEFT VENTRICULAR NONCOMPACTION; CARDIOMYOPATHY, FAMILIAL HYPERTROPHIC, 23, WITH OR WITHOUT LEFT VENTRICULAR NONCOMPACTION; Cardiomyopathy, dilated, 1AA, with or without LVNC. Identifiers: Orphanet 154, MedGen C2677338, MONDO:0012808, OMIM 612158.
Cardiovascular phenotype. Identifiers: MedGen CN230736.

Allele frequency attached by ClinVar (database versions not stated): gnomAD exomes 0.00002 and 0.00005; TOPMed 0.00002; ExAC 0.00003; gnomAD 0.00003; 1000 Genomes Project 30x 0.00016; 1000 Genomes Project 0.00020.
gnomAD v4.1: 75 of 1,614,062 alleles (0.0046%); highest among the groups gnomAD compares: Non-Finnish European, 0.0061%; no homozygotes.

Submissions (3):

Labcorp Genetics (formerly Invitae), Labcorp
Classification: Benign for Primary familial hypertrophic cardiomyopathy; Dilated cardiomyopathy 1AA. Last evaluated: 2026-01-06. Review status: criteria provided, single submitter. Criteria: Invitae Variant Classification Sherloc (09022015). Collection method: clinical testing. Allele origin: germline.

Ambry Genetics
Classification: Uncertain significance for Cardiovascular phenotype. Last evaluated: 2025-10-05. Review status: criteria provided, single submitter. Criteria: Ambry Variant Classification Scheme 2023. Collection method: clinical testing. Allele origin: germline.
Comment: The p.G890R variant (also known as c.2668G>A), located in coding exon 21 of the ACTN2 gene, results from a G to A substitution at nucleotide position 2668. The glycine at codon 890 is replaced by arginine, an amino acid with dissimilar properties. This amino acid position is highly conserved in available vertebrate species. In addition, this alteration is predicted to be deleterious by in silico analysis. Since supporting evidence is limited at this time, the clinical significance of this alteration remains unclear.

Molecular Diagnostic Laboratory for Inherited Cardiovascular Disease, Montreal Heart Institute
Classification: Uncertain significance for Cardiovascular phenotype. Last evaluated: 2025-07-24. Review status: criteria provided, single submitter. Criteria: ACMG Guidelines, 2015. Collection method: clinical testing. Allele origin: germline. Affected: yes.
Comment: PP3, BS1

NM_001103.4(ACTN2):c.2668G>A (p.Gly890Arg)

Gene: ACTN2 (actinin alpha 2; plus strand). Cytogenetic location: 1q43.
Variant type: single nucleotide variant.
Coding change: c.2668G>A on transcript NM_001103.4 (MANE Select); coding-DNA position 2668, G replaced by A.
Protein change: p.Gly890Arg; replaces glycine 890 with arginine.
Molecular consequence: missense variant.
Genome position (GRCh38, 1-based): chr1:236,762,602, G>A. VCF-style: chr1-236762602-G-A. GRCh37 (hg19) VCF-style: chr1-236925902-G-A.
Other names: c.2668G>A, p.Gly890Arg (NM_001278343.2); c.2044G>A, p.Gly682Arg (NM_001278344.2); short protein forms G890R, G682R.
Identifiers: ClinVar variation 573987 (VCV000573987.17), dbSNP rs536297856, ClinGen allele CA1473512.